The following is an entry in ClinVar:

ClinVar aggregate classification (germline): Uncertain significance (1 of 4 stars; one submission).

Allele frequency attached by ClinVar (database versions not stated): gnomAD exomes below 0.00001.
gnomAD v4.1: 1 of 1,611,432 alleles (0.000062%); highest among the groups gnomAD compares: Non-Finnish European, 0.000085%; no homozygotes.

Submission:

Labcorp Genetics (formerly Invitae), Labcorp
Classification: Uncertain significance. Last evaluated: 2025-02-07. Review status: criteria provided, single submitter. Criteria: Invitae Variant Classification Sherloc (09022015). Collection method: clinical testing. Allele origin: germline.
Comment: This sequence change replaces lysine, which is basic and polar, with glutamic acid, which is acidic and polar, at codon 500 of the TNNI3K protein (p.Lys500Glu). This variant is not present in population databases (gnomAD no frequency). This variant has not been reported in the literature in individuals affected with TNNI3K-related conditions. ClinVar contains an entry for this variant (Variation ID: 1477154). Invitae Evidence Modeling of protein sequence and biophysical properties (such as structural, functional, and spatial information, amino acid conservation, physicochemical variation, residue mobility, and thermodynamic stability) indicates that this missense variant is not expected to disrupt TNNI3K protein function with a negative predictive value of 80%. In summary, the available evidence is currently insufficient to determine the role of this variant in disease. Therefore, it has been classified as a Variant of Uncertain Significance.

NM_015978.3(TNNI3K):c.1498A>G (p.Lys500Glu)

Genes: FPGT-TNNI3K (FPGT-TNNI3K readthrough; plus strand), TNNI3K (TNNI3 interacting kinase; plus strand). Cytogenetic location: 1p31.1.
Variant type: single nucleotide variant.
Coding change: c.1498A>G on transcript NM_015978.3 (MANE Select); coding-DNA position 1498, A replaced by G.
Protein change: p.Lys500Glu; replaces lysine 500 with glutamic acid.
Molecular consequence: missense variant.
Genome position (GRCh38, 1-based): chr1:74,369,416, A>G. VCF-style: chr1-74369416-A-G. GRCh37 (hg19) VCF-style: chr1-74835100-A-G.
Other names: c.1801A>G, p.Lys601Glu (NM_001112808.3, NM_001199327.2); short protein forms K601E, K500E.
Identifiers: ClinVar variation 1477154 (VCV001477154.8), dbSNP rs2100520455, ClinGen allele CA340786100.